The following is an entry in ClinVar:

ClinVar aggregate classification (germline): Likely benign (1 of 4 stars; one submission).

Allele frequency attached by ClinVar (database versions not stated): gnomAD exomes 0.00004; ESP Exome Variant Server 0.00008; ExAC 0.00011; gnomAD 0.00031; TOPMed 0.00035; 1000 Genomes Project 0.00060; 1000 Genomes Project 30x 0.00078.
gnomAD v4.1: 101 of 1,606,936 alleles (0.0063%); highest among the groups gnomAD compares: African/African-American, 0.076%; no homozygotes.

Submission:

CeGaT Center for Human Genetics Tuebingen
Classification: Likely benign. Last evaluated: 2024-01-01. Review status: criteria provided, single submitter. Criteria: CeGaT Center For Human Genetics Tuebingen Variant Classification Criteria Version 2. Collection method: clinical testing. Allele origin: germline. Affected: yes. Observed: 1 variant allele.
Comment: CIC: BP4, BP7

NM_001386298.1(CIC):c.3612G>A (p.Thr1204=)

Gene: CIC (capicua transcriptional repressor; plus strand). Cytogenetic location: 19q13.2.
Variant type: single nucleotide variant.
Coding change: c.3612G>A on transcript NM_001386298.1 (MANE Select); coding-DNA position 3612, G replaced by A.
Protein change: p.Thr1204=; no amino-acid change (threonine 1204 retained).
Molecular consequence: synonymous variant.
Genome position (GRCh38, 1-based): chr19:42,287,929, G>A. VCF-style: chr19-42287929-G-A. GRCh37 (hg19) VCF-style: chr19-42792081-G-A.
Other names: c.3612G>A, p.Thr1204= (NM_001304815.2, NM_001379480.1, NM_001379482.1 and 1 more transcripts); c.885G>A, p.Thr295= (NM_001379484.1, NM_001379485.1, NM_015125.5).
Identifiers: ClinVar variation 3025900 (VCV003025900.22), dbSNP rs374479285, ClinGen allele CA9471823.